The following is an entry in ClinVar:

ClinVar aggregate classification (germline): Uncertain significance (1 of 4 stars; one submission).

Conditions:
Microcephalic primordial dwarfism, Alazami type. Also called: FACIAL DYSMORPHISM, INTELLECTUAL DISABILITY, AND PRIMORDIAL DWARFISM; Alazami syndrome. Identifiers: Orphanet 319671, MedGen C3554439, MONDO:0014031, OMIM 615071.

Submission:

Institute of Human Genetics, University of Leipzig Medical Center
Classification: Uncertain significance for Microcephalic primordial dwarfism, Alazami type. Last evaluated: 2025-07-01. Review status: criteria provided, single submitter. Criteria: ACMG Guidelines, 2015. Collection method: clinical testing. Allele origin: inherited. Inheritance: Autosomal recessive inheritance. Affected: yes.
Comment: Criteria applied: PM2,PM3_SUP,PP3

NM_016648.4(LARP7):c.1416+3A>G

Gene: LARP7 (La ribonucleoprotein 7, transcriptional regulator; plus strand). Cytogenetic location: 4q25.
Variant type: single nucleotide variant.
Coding change: c.1416+3A>G on transcript NM_016648.4 (MANE Select); 3 bases into the intron after coding-DNA position 1416, A replaced by G.
Molecular consequence: intron variant.
Genome position (GRCh38, 1-based): chr4:112,650,585, A>G. VCF-style: chr4-112650585-A-G. GRCh37 (hg19) VCF-style: chr4-113571741-A-G.
Other names: c.1416+3A>G (NM_001267039.4, NM_001370978.1, NM_015454.3); c.1455+3A>G (NM_001370974.1, NM_001370975.1); c.1452+3A>G (NM_001370976.1, NM_001370977.1); c.1413+3A>G (NM_001370979.1, NM_001370980.1); c.1179+3A>G (NM_001370982.1, NM_001370981.1).
Identifiers: ClinVar variation 4082333 (VCV004082333.1).
Genomic context (GRCh38, chr4:112,650,585, plus strand): 5'-TGGAGTGATTGTGAAGATCATTAGCACAGAGCCTCTACCTGGCAGGAAACAAGTCCGGGT[A>G]ATGATTTTGAGCCCCTAGGGTATTTGTTCCTTTCTTCTCTTATTATTTCCCTGTGTGAAA-3'